The following is an entry in ClinVar:

NM_003803.4(MYOM1):c.2992-9A>G

Gene: MYOM1 (myomesin 1; minus strand). Cytogenetic location: 18p11.31.
Variant type: single nucleotide variant.
Coding change: c.2992-9A>G on transcript NM_003803.4 (MANE Select); 9 bases into the intron before coding-DNA position 2992, A replaced by G.
Molecular consequence: intron variant.
Genome position (GRCh38, 1-based): chr18:3,120,004, T>C on the plus strand (A>G on the coding strand, the complement: MYOM1 is on the minus strand). VCF-style: chr18-3120004-T-C. GRCh37 (hg19) VCF-style: chr18-3120002-T-C.
Other names: c.2704-9A>G (NM_019856.2).
Identifiers: ClinVar variation 3695176 (VCV003695176.2).

ClinVar aggregate classification (germline): Uncertain significance (1 of 4 stars; one submission).

Conditions:
Hypertrophic cardiomyopathy. Also called: HYPERTROPHIC MYOCARDIOPATHY. Identifiers: Orphanet 217569, MedGen C0007194, MeSH D002312, MONDO:0005045, HP:0001639.

gnomAD v4.1: 5 of 1,586,702 alleles (0.00032%); highest among the groups gnomAD compares: Non-Finnish European, 0.00034%; no homozygotes.

Submission:

Labcorp Genetics (formerly Invitae), Labcorp
Classification: Uncertain significance for Hypertrophic cardiomyopathy. Last evaluated: 2025-01-29. Review status: criteria provided, single submitter. Criteria: Invitae Variant Classification Sherloc (09022015). Collection method: clinical testing. Allele origin: germline.
Comment: This sequence change falls in intron 19 of the MYOM1 gene. It does not directly change the encoded amino acid sequence of the MYOM1 protein. The frequency data for this variant in the population databases is considered unreliable, as metrics indicate poor data quality at this position in the gnomAD database. This variant has not been reported in the literature in individuals affected with MYOM1-related conditions. Algorithms developed to predict the effect of sequence changes on RNA splicing suggest that this variant may disrupt the consensus splice site. In summary, the available evidence is currently insufficient to determine the role of this variant in disease. Therefore, it has been classified as a Variant of Uncertain Significance.